The following is an entry in ClinVar:

ClinVar aggregate classification (germline): Uncertain significance (1 of 4 stars; one submission).

Conditions:
Atypical hemolytic-uremic syndrome. Identifiers: Orphanet 2134, MedGen C2931788, MONDO:0016244.

gnomAD v4.1: 33 of 1,612,734 alleles (0.002%); highest among the groups gnomAD compares: East Asian, 0.054%; 1 homozygote.

Submission:

Genomenon, Inc
Classification: Uncertain significance for Atypical hemolytic-uremic syndrome. Last evaluated: 2025-10-02. Review status: criteria provided, single submitter. Criteria: Genomenon Sequence Variant Interpretation Standards - Updated. Collection method: curation. Allele origin: germline. Affected: yes.
Comment: CFH p.Asp798Asn (c.2392G>A) is a missense variant that changes the amino acid at residue 798 from Aspartic acid to Asparagine. This variant has been observed in at least one proband affected with atypical hemolytic-uremic syndrome (PMID:29511899). It is absent or not present at a significant frequency in gnomAD. In silico models agree that this variant is not damaging. In conclusion, we classify CFH p.Asp798Asn (c.2392G>A) as a variant of uncertain significance.

Literature cited by the submitters: PubMed 29511899.

NM_000186.4(CFH):c.2392G>A (p.Asp798Asn)

Gene: CFH (complement factor H; plus strand). Cytogenetic location: 1q31.3.
Variant type: single nucleotide variant.
Coding change: c.2392G>A on transcript NM_000186.4 (MANE Select); coding-DNA position 2392, G replaced by A.
Protein change: p.Asp798Asn; replaces aspartic acid 798 with asparagine.
Molecular consequence: missense variant.
Genome position (GRCh38, 1-based): chr1:196,728,501, G>A. VCF-style: chr1-196728501-G-A. GRCh37 (hg19) VCF-style: chr1-196697631-G-A.
Other names: short protein forms D798N.
Identifiers: ClinVar variation 4291474 (VCV004291474.1).